The following is an entry in ClinVar:

NM_024757.5(EHMT1):c.3028G>C (p.Val1010Leu)

Gene: EHMT1 (euchromatic histone lysine methyltransferase 1; plus strand). Cytogenetic location: 9q34.3.
Variant type: single nucleotide variant.
Coding change: c.3028G>C on transcript NM_024757.5 (MANE Select); coding-DNA position 3028, G replaced by C.
Protein change: p.Val1010Leu; replaces valine 1010 with leucine.
Molecular consequence: missense variant.
Genome position (GRCh38, 1-based): chr9:137,813,166, G>C. VCF-style: chr9-137813166-G-C. GRCh37 (hg19) VCF-style: chr9-140707618-G-C.
Other names: c.3007G>C, p.Val1003Leu (NM_001354263.2); short protein forms V1003L, V1010L.
Identifiers: ClinVar variation 2498041 (VCV002498041.1), dbSNP rs200237137, ClinGen allele CA375793730.

ClinVar aggregate classification (germline): Uncertain significance (1 of 4 stars; one submission).

Submission:

GeneDx
Classification: Uncertain significance. Last evaluated: 2022-10-06. Review status: criteria provided, single submitter. Criteria: GeneDx Variant Classification Process June 2021. Collection method: clinical testing. Allele origin: germline. Affected: yes.
Comment: Not observed at significant frequency in large population cohorts (gnomAD); In silico analysis supports that this missense variant does not alter protein structure/function; Has not been previously published as pathogenic or benign to our knowledge